The following is an entry in ClinVar:

ClinVar aggregate classification (germline): Uncertain significance. Review status: criteria provided, multiple submitters, no conflicts (2 of 4 stars). 2 submissions from 2 submitters: Uncertain significance (2). Last evaluated 2025-06-02.

Submissions (2):

Labcorp Genetics (formerly Invitae), Labcorp
Classification: Uncertain significance. Last evaluated: 2025-06-02. Review status: criteria provided, single submitter. Criteria: Invitae Variant Classification Sherloc (09022015). Collection method: clinical testing. Allele origin: germline.
Comment: This variant, c.9_17del, results in the deletion of 3 amino acid(s) of the GANAB protein (p.Val7_Ala9del), but otherwise preserves the integrity of the reading frame. This variant is not present in population databases (gnomAD no frequency). This variant has not been reported in the literature in individuals affected with GANAB-related conditions. ClinVar contains an entry for this variant (Variation ID: 1969360). Experimental studies and prediction algorithms are not available or were not evaluated, and the functional significance of this variant is currently unknown. In summary, the available evidence is currently insufficient to determine the role of this variant in disease. Therefore, it has been classified as a Variant of Uncertain Significance.

Blueprint Genetics
Classification: Uncertain significance. Last evaluated: 2024-06-20. Review status: criteria provided, single submitter. Criteria: ACMG Guidelines, 2015. Collection method: clinical testing. Allele origin: germline.

NM_198334.3(GANAB):c.9_17del (p.4VAA[1])

Gene: GANAB (glucosidase II alpha subunit; minus strand). Cytogenetic location: 11q12.3.
Variant type: Deletion.
Coding change: c.9_17del on transcript NM_198334.3 (MANE Select); coding-DNA positions 9 to 17, 9 bases deleted (GGTAGCGGC; older notation c.9_17delGGTAGCGGC).
Protein change: p.4VAA[1].
Molecular consequence: inframe deletion. On other transcripts: 5 prime UTR variant (3).
Genome position (GRCh38, 1-based): chr11:62,646,583-62,646,591, GCCGCTACC deleted on the plus strand (GGTAGCGGC on the coding strand, the reverse complement: GANAB is on the minus strand); deleting any 9 consecutive bases within chr11:62,646,583-62,646,596 gives the same sequence; the c. name uses the placement nearest the transcript's 3' end. VCF-style (leftmost placement, unchanged base first): chr11-62646582-TGCCGCTACC-T. GRCh37 (hg19) VCF-style: chr11-62414054-TGCCGCTACC-T.
Other names: c.9_17del, p.4VAA[1] (NM_001278192.2, NM_001278193.2, NM_198335.4); c.-174_-166del (NM_001278194.2); c.-279_-271del (NM_001329223.2); c.-768_-760del (NM_001329225.2).
Identifiers: ClinVar variation 1969360 (VCV001969360.6), dbSNP rs1405074165, ClinGen allele CA679071801.